The following is an entry in ClinVar:

NM_014845.6(FIG4):c.1040-1G>A

Gene: FIG4 (FIG4 phosphoinositide 5-phosphatase; plus strand). Cytogenetic location: 6q21.
Variant type: single nucleotide variant.
Coding change: c.1040-1G>A on transcript NM_014845.6 (MANE Select); the canonical splice acceptor site of the intron before coding-DNA position 1040, G replaced by A.
Molecular consequence: splice acceptor variant.
Genome position (GRCh38, 1-based): chr6:109,743,674, G>A. VCF-style: chr6-109743674-G-A. GRCh37 (hg19) VCF-style: chr6-110064877-G-A.
Identifiers: ClinVar variation 2917669 (VCV002917669.4), dbSNP rs778949599, ClinGen allele CA3955975.

ClinVar aggregate classification (germline): Likely pathogenic. Review status: criteria provided, multiple submitters, no conflicts (2 of 4 stars). 2 submissions from 2 submitters: Likely pathogenic (2). Last evaluated 2023-06-22.

Conditions:
Yunis-Varon syndrome (YVS). Also called: Cleidocranial dysplasia, micrognathia, absent thumbs, & distal aphalangia. Identifiers: Orphanet 3472, MedGen C1857663, MONDO:0008995, OMIM 216340.
Charcot-Marie-Tooth disease type 4. Also called: Charcot-Marie-Tooth disease, type IV; Charcot-Marie-Tooth, Type 4. Identifiers: Orphanet 64749, MedGen C4082197, MONDO:0018995.

Allele frequency attached by ClinVar (database versions not stated): gnomAD exomes below 0.00001; ExAC 0.00001.
gnomAD v4.1: 4 of 1,604,554 alleles (0.00025%); highest among the groups gnomAD compares: South Asian, 0.0033%; no homozygotes.

Submissions (2):

Neuberg Centre For Genomic Medicine, NCGM
Classification: Likely pathogenic for Yunis-Varon syndrome. Last evaluated: 2023-06-22. Review status: criteria provided, single submitter. Criteria: ACMG Guidelines, 2015. Collection method: clinical testing. Allele origin: germline. Inheritance: Autosomal recessive inheritance. Affected: yes.
Comment: The invariant splice acceptor c.1040-1G>A in FIG4 gene has not been reported previously as a pathogenic variant nor as a benign variant, to our knowledge. The observed variant has allele frequency of 0.0004% in gnomAD exomes database. This variant has not been submitted to the ClinVar database. Loss of function variants have been previously reported to be disease causing. For these reasons, this variant has been classified as Likely Pathogenic.

Labcorp Genetics (formerly Invitae), Labcorp
Classification: Likely pathogenic for Charcot-Marie-Tooth disease type 4. Last evaluated: 2023-05-04. Review status: criteria provided, single submitter. Criteria: Invitae Variant Classification Sherloc (09022015). Collection method: clinical testing. Allele origin: germline.
Comment: This sequence change affects an acceptor splice site in intron 9 of the FIG4 gene. It is expected to disrupt RNA splicing. Variants that disrupt the donor or acceptor splice site typically lead to a loss of protein function (PMID: 16199547), and loss-of-function variants in FIG4 are known to be pathogenic (PMID: 23623387, 30740813). This variant is present in population databases (rs778949599, gnomAD 0.003%). This variant has not been reported in the literature in individuals affected with FIG4-related conditions. Algorithms developed to predict the effect of sequence changes on RNA splicing suggest that this variant may disrupt the consensus splice site. In summary, the currently available evidence indicates that the variant is pathogenic, but additional data are needed to prove that conclusively. Therefore, this variant has been classified as Likely Pathogenic.

Literature cited by the submitters: PubMed 16199547 (cited by Labcorp Genetics (formerly Invitae), Labcorp); PubMed 23623387 (cited by Labcorp Genetics (formerly Invitae), Labcorp); PubMed 30740813 (cited by Labcorp Genetics (formerly Invitae), Labcorp).